The following is an entry in ClinVar:

ClinVar aggregate classification (germline): Uncertain significance (1 of 4 stars; one submission).

Conditions:
Neonatal-onset encephalopathy with rigidity and seizures. Also called: Lethal neonatal spasticity-epileptic encephalopathy syndrome. Identifiers: Orphanet 435845, MedGen C3281029, MONDO:0013784, OMIM 614498.

Allele frequency attached by ClinVar (database versions not stated): gnomAD exomes below 0.00001; ExAC 0.00001; gnomAD 0.00001; TOPMed 0.00002.
gnomAD v4.1: 3 of 1,613,948 alleles (0.00019%); highest among the groups gnomAD compares: African/African-American, 0.004%; no homozygotes.

Submission:

Labcorp Genetics (formerly Invitae), Labcorp
Classification: Uncertain significance for Neonatal-onset encephalopathy with rigidity and seizures. Last evaluated: 2021-08-20. Review status: criteria provided, single submitter. Criteria: Invitae Variant Classification Sherloc (09022015). Collection method: clinical testing. Allele origin: germline.
Comment: This sequence change replaces asparagine with aspartic acid at codon 88 of the BRAT1 protein (p.Asn88Asp). The asparagine residue is weakly conserved and there is a small physicochemical difference between asparagine and aspartic acid. This variant is present in population databases (rs779283478, ExAC 0.01%). This variant has not been reported in the literature in individuals affected with BRAT1-related conditions. Algorithms developed to predict the effect of missense changes on protein structure and function output the following: SIFT: "Tolerated"; PolyPhen-2: "Benign"; Align-GVGD: "Class C0". The aspartic acid amino acid residue is found in multiple mammalian species, which suggests that this missense change does not adversely affect protein function. In summary, the available evidence is currently insufficient to determine the role of this variant in disease. Therefore, it has been classified as a Variant of Uncertain Significance.

NM_152743.4(BRAT1):c.262A>G (p.Asn88Asp)

Gene: BRAT1 (BRCA1 associated ATM activator 1; minus strand). Cytogenetic location: 7p22.3.
Variant type: single nucleotide variant.
Coding change: c.262A>G on transcript NM_152743.4 (MANE Select); coding-DNA position 262, A replaced by G.
Protein change: p.Asn88Asp; replaces asparagine 88 with aspartic acid.
Molecular consequence: missense variant. On other transcripts: 5 prime UTR variant (1), non-coding transcript variant (1).
Genome position (GRCh38, 1-based): chr7:2,547,344, T>C on the plus strand (A>G on the coding strand, the complement: BRAT1 is on the minus strand). VCF-style: chr7-2547344-T-C. GRCh37 (hg19) VCF-style: chr7-2586978-T-C.
Other names: c.262A>G, p.Asn88Asp (NM_001350626.2); c.-116A>G (NM_001350627.2); short protein forms N88D.
Identifiers: ClinVar variation 577405 (VCV000577405.6), dbSNP rs779283478, ClinGen allele CA4128267.